The following is an entry in ClinVar:

ClinVar aggregate classification (germline): Likely pathogenic (1 of 4 stars; one submission).

gnomAD v4.1: 1 of 1,200,028 alleles (0.000083%); highest among the groups gnomAD compares: Non-Finnish European, 0.00011%; no homozygotes.

Submission:

GeneDx
Classification: Likely pathogenic. Last evaluated: 2023-03-14. Review status: criteria provided, single submitter. Criteria: GeneDx Variant Classification Process June 2021. Collection method: clinical testing. Allele origin: germline. Affected: yes.
Comment: Not observed at a significant frequency in large population cohorts (gnomAD); In silico analysis supports that this missense variant has a deleterious effect on protein structure/function; This variant is associated with the following publications: (PMID: 36586412)

NM_201599.3(ZMYM3):c.3820C>T (p.Arg1274Trp)

Gene: ZMYM3 (zinc finger MYM-type containing 3; minus strand). Cytogenetic location: Xq13.1.
Variant type: single nucleotide variant.
Coding change: c.3820C>T on transcript NM_201599.3 (MANE Select); coding-DNA position 3820, C replaced by T.
Protein change: p.Arg1274Trp; replaces arginine 1274 with tryptophan.
Molecular consequence: missense variant.
Genome position (GRCh38, 1-based): chrX:71,241,327, G>A on the plus strand (C>T on the coding strand, the complement: ZMYM3 is on the minus strand). VCF-style: chrX-71241327-G-A. GRCh37 (hg19) VCF-style: chrX-70461177-G-A.
Other names: c.3784C>T, p.Arg1262Trp (NM_001171162.1); c.3820C>T, p.Arg1274Trp (NM_005096.3); short protein forms R1262W, R1274W.
Identifiers: ClinVar variation 3340748 (VCV003340748.1).